The following is an entry in ClinVar:

NM_001080466.2(BTBD17):c.666G>C (p.Leu222=)

Gene: BTBD17 (BTB domain containing 17; minus strand). Cytogenetic location: 17q25.1.
Variant type: single nucleotide variant.
Coding change: c.666G>C on transcript NM_001080466.2 (MANE Select); coding-DNA position 666, G replaced by C.
Protein change: p.Leu222=; no amino-acid change (leucine 222 retained).
Molecular consequence: synonymous variant.
Genome position (GRCh38, 1-based): chr17:74,357,428, C>G on the plus strand (G>C on the coding strand, the complement: BTBD17 is on the minus strand). VCF-style: chr17-74357428-C-G. GRCh37 (hg19) VCF-style: chr17-72353567-C-G.
Identifiers: ClinVar variation 3250793 (VCV003250793.18), dbSNP rs2509858654.

ClinVar aggregate classification (germline): Likely benign (1 of 4 stars; one submission).

Submission:

CeGaT Center for Human Genetics Tuebingen
Classification: Likely benign. Last evaluated: 2026-08-01. Review status: criteria provided, single submitter. Criteria: CeGaT Center For Human Genetics Tuebingen Variant Classification Criteria Version 2. Collection method: clinical testing. Allele origin: germline. Affected: yes. Observed: 5 variant alleles.
Comment: BTBD17: PM2:Supporting, BP4, BP7